The following is an entry in ClinVar:

NM_001267550.2(TTN):c.44813T>C (p.Val14938Ala)

Gene: TTN (titin; minus strand). Cytogenetic location: 2q31.2.
Variant type: single nucleotide variant.
Coding change: c.44813T>C on transcript NM_001267550.2 (MANE Select); coding-DNA position 44813, T replaced by C.
Protein change: p.Val14938Ala; replaces valine 14938 with alanine.
Molecular consequence: missense variant.
Genome position (GRCh38, 1-based): chr2:178,624,467, A>G on the plus strand (T>C on the coding strand, the complement: TTN is on the minus strand). VCF-style: chr2-178624467-A-G. GRCh37 (hg19) VCF-style: chr2-179489194-A-G.
Other names: c.39890T>C, p.Val13297Ala (NM_001256850.1); c.17618T>C, p.Val5873Ala (NM_003319.4); c.37109T>C, p.Val12370Ala (NM_133378.4); c.17993T>C, p.Val5998Ala (NM_133432.3); c.18194T>C, p.Val6065Ala (NM_133437.4); short protein forms V13297A, V14938A, V12370A, V5998A, V5873A, V6065A.
Identifiers: ClinVar variation 513724 (VCV000513724.18), dbSNP rs571522834, ClinGen allele CA1995573.

ClinVar aggregate classification (germline): Conflicting classifications of pathogenicity. Review status: criteria provided, conflicting classifications (1 of 4 stars). 4 submissions from 4 submitters: Uncertain significance (1); Likely benign (3). Last evaluated 2026-03-27.

Conditions:
Dilated cardiomyopathy 1G (CMD1G). Identifiers: Orphanet 154, MedGen C1858763, MONDO:0011400, OMIM 604145.
Autosomal recessive limb-girdle muscular dystrophy type 2J (LGMDR10). Also called: Limb-girdle muscular dystrophy, type 2J; MUSCULAR DYSTROPHY, LIMB-GIRDLE, AUTOSOMAL RECESSIVE 10. Identifiers: Orphanet 140922, MedGen C1837342, MONDO:0012127, OMIM 608807.

Allele frequency attached by ClinVar (database versions not stated): ExAC 0.00012; 1000 Genomes Project 30x 0.00078; gnomAD 0.00005 and 0.00003; TOPMed 0.00006; 1000 Genomes Project 0.00080; gnomAD exomes 0.00015.
gnomAD v4.1: 66 of 1,612,274 alleles (0.0041%); highest among the groups gnomAD compares: East Asian, 0.13%; no homozygotes.

Submissions (4):

Molecular Diagnostic Laboratory for Inherited Cardiovascular Disease, Montreal Heart Institute
Classification: Likely benign. Last evaluated: 2026-03-27. Review status: criteria provided, single submitter. Criteria: ACMG Guidelines, 2015. Collection method: clinical testing. Allele origin: germline. Affected: no.
Comment: BS1;BP1

Labcorp Genetics (formerly Invitae), Labcorp
Classification: Likely benign for Dilated cardiomyopathy 1G; Autosomal recessive limb-girdle muscular dystrophy type 2J. Last evaluated: 2025-11-26. Review status: criteria provided, single submitter. Criteria: Invitae Variant Classification Sherloc (09022015). Collection method: clinical testing. Allele origin: germline.

Revvity Omics, Revvity
Classification: Uncertain significance. Last evaluated: 2024-06-21. Review status: criteria provided, single submitter. Criteria: ACMG Guidelines, 2015. Collection method: clinical testing. Allele origin: germline.

GeneDx
Classification: Likely benign. Last evaluated: 2019-07-16. Review status: criteria provided, single submitter. Criteria: GeneDx Variant Classification Process June 2021. Collection method: clinical testing. Allele origin: germline. Affected: yes.